The following is an entry in ClinVar:

NM_032634.4(PIGO):c.2705C>G (p.Thr902Ser)

Gene: PIGO (phosphatidylinositol glycan anchor biosynthesis class O; minus strand). Cytogenetic location: 9p13.3.
Variant type: single nucleotide variant.
Coding change: c.2705C>G on transcript NM_032634.4 (MANE Select); coding-DNA position 2705, C replaced by G.
Protein change: p.Thr902Ser; replaces threonine 902 with serine.
Molecular consequence: missense variant.
Genome position (GRCh38, 1-based): chr9:35,090,615, G>C on the plus strand (C>G on the coding strand, the complement: PIGO is on the minus strand). VCF-style: chr9-35090615-G-C. GRCh37 (hg19) VCF-style: chr9-35090612-G-C.
Other names: c.1454C>G, p.Thr485Ser (NM_001201484.2, NM_152850.4); short protein forms T902S, T485S.
Identifiers: ClinVar variation 473226 (VCV000473226.13), dbSNP rs372802683, ClinGen allele CA5040346.

ClinVar aggregate classification (germline): Uncertain significance. Review status: criteria provided, multiple submitters, no conflicts (2 of 4 stars). 4 submissions from 4 submitters: Uncertain significance (4). Last evaluated 2022-10-13.

Conditions:
Hyperphosphatasia with impaired intellectual development syndrome 2. Also called: GLYCOSYLPHOSPHATIDYLINOSITOL BIOSYNTHESIS DEFECT 6; Hyperphosphatasia with intellectual disability syndrome 2. Identifiers: Orphanet 247262, MedGen C3553637, MONDO:0013882, OMIM 614749.

Allele frequency attached by ClinVar (database versions not stated): ExAC 0.00006; gnomAD 0.00016 and 0.00015; ESP Exome Variant Server 0.00023; TOPMed 0.00024; gnomAD exomes 0.00011.
gnomAD v4.1: 377 of 1,613,936 alleles (0.023%); highest among the groups gnomAD compares: Non-Finnish European, 0.03%; no homozygotes.

Submissions (4):

Labcorp Genetics (formerly Invitae), Labcorp
Classification: Uncertain significance for Hyperphosphatasia with impaired intellectual development syndrome 2. Last evaluated: 2022-10-13. Review status: criteria provided, single submitter. Criteria: Invitae Variant Classification Sherloc (09022015). Collection method: clinical testing. Allele origin: germline.
Comment: This sequence change replaces threonine, which is neutral and polar, with serine, which is neutral and polar, at codon 902 of the PIGO protein (p.Thr902Ser). This variant is present in population databases (rs372802683, gnomAD 0.02%). This variant has not been reported in the literature in individuals affected with PIGO-related conditions. ClinVar contains an entry for this variant (Variation ID: 473226). Advanced modeling of protein sequence and biophysical properties (such as structural, functional, and spatial information, amino acid conservation, physicochemical variation, residue mobility, and thermodynamic stability) performed at Invitae indicates that this missense variant is not expected to disrupt PIGO protein function. In summary, the available evidence is currently insufficient to determine the role of this variant in disease. Therefore, it has been classified as a Variant of Uncertain Significance.

Center for Genomics, Ann and Robert H. Lurie Children's Hospital of Chicago
Classification: Uncertain significance for Hyperphosphatasia with impaired intellectual development syndrome 2. Last evaluated: 2021-11-11. Review status: criteria provided, single submitter. Criteria: ACMG Guidelines, 2015. Collection method: clinical testing. Allele origin: germline.
Comment: PIGO NM_032634.3 exon 8 c.2705C>G (p.Thr902Ser): This variant has not been reported in the literature and is present in 29/126248 European alleles in the Genome Aggregation Database. This variant amino acid Serine (Ser) is present in 1 other species (ferret) and is not well conserved among evolutionarily distant species; this suggests that this variant may not impact the protein. Additional computational prediction tools do not suggest an impact. In summary, data on this variant is insufficient for disease classification. Therefore, the clinical significance of this variant is uncertain.

Fulgent Genetics
Classification: Uncertain significance for Hyperphosphatasia with impaired intellectual development syndrome 2. Last evaluated: 2018-10-31. Review status: criteria provided, single submitter. Criteria: ACMG Guidelines, 2015. Collection method: clinical testing. Allele origin: unknown.

Illumina Laboratory Services, Illumina
Classification: Uncertain significance for Hyperphosphatasia with impaired intellectual development syndrome 2. Last evaluated: 2017-04-27. Review status: criteria provided, single submitter. Criteria: ICSL Variant Classification Criteria 13 December 2019. Collection method: clinical testing. Allele origin: germline.